The following is an entry in ClinVar:

NM_130837.3(OPA1):c.1831G>A (p.Val611Ile)

Genes: OPA1 (OPA1 mitochondrial dynamin like GTPase; plus strand), LOC126806913 (BRD4-independent group 4 enhancer GRCh37_chr3:193364377-193365576; plus strand). Cytogenetic location: 3q29.
Variant type: single nucleotide variant.
Coding change: c.1831G>A on transcript NM_130837.3 (MANE Select); coding-DNA position 1831, G replaced by A.
Protein change: p.Val611Ile; replaces valine 611 with isoleucine.
Molecular consequence: missense variant.
Genome position (GRCh38, 1-based): chr3:193,647,141, G>A. VCF-style: chr3-193647141-G-A. GRCh37 (hg19) VCF-style: chr3-193364930-G-A.
Other names: c.1297G>A, p.Val433Ile (NM_001354663.2); c.1294G>A, p.Val432Ile (NM_001354664.2); c.1666G>A, p.Val556Ile (NM_015560.3); c.1558G>A, p.Val520Ile (NM_130831.3); c.1612G>A, p.Val538Ile (NM_130832.3); c.1669G>A, p.Val557Ile (NM_130833.3); c.1720G>A, p.Val574Ile (NM_130834.3); c.1723G>A, p.Val575Ile (NM_130835.3); and 2 more; short protein forms V432I, V557I, V575I, V593I, V574I, V611I, V520I, V538I.
Identifiers: ClinVar variation 1385404 (VCV001385404.8), dbSNP rs2109070417, ClinGen allele CA355790516.

ClinVar aggregate classification (germline): Uncertain significance. Review status: criteria provided, multiple submitters, no conflicts (2 of 4 stars). 3 submissions from 3 submitters: Uncertain significance (3). Last evaluated 2025-11-10.

Conditions:
OPA1-related disorder. Also called: OPA1-related disorders; OPA1-related condition.

Allele frequency attached by ClinVar (database versions not stated): gnomAD exomes below 0.00001.
gnomAD v4.1: 1 of 1,613,366 alleles (0.000062%); no homozygotes.

Submissions (3):

PreventionGenetics, part of Exact Sciences
Classification: Uncertain significance for OPA1-related condition. Last evaluated: 2025-11-10. Review status: criteria provided, single submitter. Criteria: ACMG Guidelines, 2015. Collection method: clinical testing. Allele origin: germline.
Comment: The OPA1 c.1831G>A variant is predicted to result in the amino acid substitution p.Val611Ile. This variant can also be denoted as c.1666G>A (p.Val556Ile) using transcript NM_015560. This variant has been reported in an individual with optic atrophy (Gaier et al. 2017. PubMed ID: 28848318). This variant is predicted damaging to the encoded protein (Liu et al. 2016. PMID:26555599). This variant is absent in a large population database (gnomAD), indicating this variant is rare. Although we suspect that this variant may be pathogenic, at this time, the clinical significance of this variant is uncertain due to the absence of conclusive functional and genetic evidence.

Labcorp Genetics (formerly Invitae), Labcorp
Classification: Uncertain significance. Last evaluated: 2022-01-27. Review status: criteria provided, single submitter. Criteria: Invitae Variant Classification Sherloc (09022015). Collection method: clinical testing. Allele origin: germline.
Comment: This sequence change replaces valine, which is neutral and non-polar, with isoleucine, which is neutral and non-polar, at codon 556 of the OPA1 protein (p.Val556Ile). This variant is not present in population databases (gnomAD no frequency). This missense change has been observed in individual(s) with clinical features of OPA1-related conditions (PMID: 28848318). Advanced modeling of protein sequence and biophysical properties (such as structural, functional, and spatial information, amino acid conservation, physicochemical variation, residue mobility, and thermodynamic stability) performed at Invitae indicates that this missense variant is expected to disrupt OPA1 protein function. In summary, the available evidence is currently insufficient to determine the role of this variant in disease. Therefore, it has been classified as a Variant of Uncertain Significance.

Blueprint Genetics
Classification: Uncertain significance. Last evaluated: 2020-12-04. Review status: criteria provided, single submitter. Criteria: ACMG Guidelines, 2015. Collection method: clinical testing. Allele origin: germline.

Literature cited by the submitters: PubMed 28848318 (cited by Labcorp Genetics (formerly Invitae), Labcorp).